The following is an entry in ClinVar:

ClinVar aggregate classification (germline): Uncertain significance (1 of 4 stars; one submission).

Conditions:
Bethlem myopathy 1A. Also called: MYOPATHY, BENIGN CONGENITAL, WITH CONTRACTURES; Bethlem myopathy 1; Bethlem Muscular Dystrophy. Identifiers: Orphanet 610, MedGen CN029274, MONDO:0024530, OMIM 158810.

Submission:

Labcorp Genetics (formerly Invitae), Labcorp
Classification: Uncertain significance for Bethlem myopathy 1A. Last evaluated: 2022-10-25. Review status: criteria provided, single submitter. Criteria: Invitae Variant Classification Sherloc (09022015). Collection method: clinical testing. Allele origin: germline.
Comment: In summary, the available evidence is currently insufficient to determine the role of this variant in disease. Therefore, it has been classified as a Variant of Uncertain Significance. Advanced modeling of protein sequence and biophysical properties (such as structural, functional, and spatial information, amino acid conservation, physicochemical variation, residue mobility, and thermodynamic stability) performed at Invitae indicates that this missense variant is not expected to disrupt COL6A3 protein function. ClinVar contains an entry for this variant (Variation ID: 861082). This missense change has been observed in individual(s) with clinical features of skeletal muscle collagenopathy (Invitae). This variant is not present in population databases (gnomAD no frequency). This sequence change replaces glycine, which is neutral and non-polar, with valine, which is neutral and non-polar, at codon 2705 of the COL6A3 protein (p.Gly2705Val).

NM_004369.4(COL6A3):c.8114G>T (p.Gly2705Val)

Gene: COL6A3 (collagen type VI alpha 3 chain; minus strand). Cytogenetic location: 2q37.3.
Variant type: single nucleotide variant.
Coding change: c.8114G>T on transcript NM_004369.4 (MANE Select); coding-DNA position 8114, G replaced by T.
Protein change: p.Gly2705Val; replaces glycine 2705 with valine.
Molecular consequence: missense variant.
Genome position (GRCh38, 1-based): chr2:237,340,802, C>A on the plus strand (G>T on the coding strand, the complement: COL6A3 is on the minus strand). VCF-style: chr2-237340802-C-A. GRCh37 (hg19) VCF-style: chr2-238249445-C-A.
Other names: c.6293G>T, p.Gly2098Val (NM_057166.5); c.7496G>T, p.Gly2499Val (NM_057167.4); short protein forms G2098V, G2499V, G2705V.
Identifiers: ClinVar variation 861082 (VCV000861082.10), dbSNP rs957705259, ClinGen allele CA67835888.